The following is an entry in ClinVar:

NM_000264.5(PTCH1):c.2757C>A (p.Phe919Leu)

Gene: PTCH1 (patched 1; minus strand). Cytogenetic location: 9q22.32.
Variant type: single nucleotide variant.
Coding change: c.2757C>A on transcript NM_000264.5 (MANE Select); coding-DNA position 2757, C replaced by A.
Protein change: p.Phe919Leu; replaces phenylalanine 919 with leucine.
Molecular consequence: missense variant. On other transcripts: non-coding transcript variant (1).
Genome position (GRCh38, 1-based): chr9:95,459,730, G>T on the plus strand (C>A on the coding strand, the complement: PTCH1 is on the minus strand). VCF-style: chr9-95459730-G-T. GRCh37 (hg19) VCF-style: chr9-98222012-G-T.
Other names: c.2559C>A, p.Phe853Leu (NM_001083602.3); c.2754C>A, p.Phe918Leu (NM_001083603.3); c.2304C>A, p.Phe768Leu (NM_001083604.3, NM_001083605.3, NM_001083606.3 and 1 more transcripts); c.2601C>A, p.Phe867Leu (NM_001354918.2); short protein forms F768L, F867L, F919L, F853L, F918L.
Identifiers: ClinVar variation 1795620 (VCV001795620.2), dbSNP rs1588544920, ClinGen allele CA374113145.

ClinVar aggregate classification (germline): Uncertain significance (1 of 4 stars; one submission).

Conditions:
Hereditary cancer-predisposing syndrome. Also called: Tumor predisposition; Hereditary Cancer Syndrome; Neoplastic Syndromes, Hereditary; Hereditary neoplastic syndrome. Identifiers: Orphanet 140162, MedGen C0027672, MeSH D009386, MONDO:0015356.

Submission:

Ambry Genetics
Classification: Uncertain significance for Hereditary cancer-predisposing syndrome. Last evaluated: 2022-04-28. Review status: criteria provided, single submitter. Criteria: Ambry Variant Classification Scheme 2023. Collection method: clinical testing. Allele origin: germline.
Comment: The p.F919L variant (also known as c.2757C>A), located in coding exon 17 of the PTCH1 gene, results from a C to A substitution at nucleotide position 2757. The phenylalanine at codon 919 is replaced by leucine, an amino acid with highly similar properties. This amino acid position is conserved. In addition, this alteration is predicted to be deleterious by in silico analysis. Since supporting evidence is limited at this time, the clinical significance of this alteration remains unclear.